The following is an entry in ClinVar:

NM_003664.5(AP3B1):c.2730T>C (p.Thr910=)

Gene: AP3B1 (adaptor related protein complex 3 subunit beta 1; minus strand). Cytogenetic location: 5q14.1.
Variant type: single nucleotide variant.
Coding change: c.2730T>C on transcript NM_003664.5 (MANE Select); coding-DNA position 2730, T replaced by C.
Protein change: p.Thr910=; no amino-acid change (threonine 910 retained).
Molecular consequence: synonymous variant.
Genome position (GRCh38, 1-based): chr5:78,039,122, A>G on the plus strand (T>C on the coding strand, the complement: AP3B1 is on the minus strand). VCF-style: chr5-78039122-A-G. GRCh37 (hg19) VCF-style: chr5-77334946-A-G.
Other names: p.Thr910=; c.2583T>C, p.Thr861= (NM_001271769.2).
Identifiers: ClinVar variation 286838 (VCV000286838.53), dbSNP rs143527588, ClinGen allele CA3316695.

ClinVar aggregate classification (germline): Benign/Likely benign. Review status: criteria provided, multiple submitters, no conflicts (2 of 4 stars). 11 submissions from 11 submitters: Benign (3); Likely benign (5). 3 of the submissions do not count toward it. Last evaluated 2026-04-01.

Conditions:
Autoinflammatory syndrome. Identifiers: Orphanet 93665, MedGen C3890737, MONDO:0019751.
Hermansky-Pudlak syndrome 2 (HPS2). Also called: Platelet defects and oculocutaneous albinism. Identifiers: Orphanet 183678, Orphanet 79430, MedGen C1842362, MONDO:0011997, OMIM 608233.

Allele frequency attached by ClinVar (database versions not stated): 1000 Genomes Project 30x 0.00078; 1000 Genomes Project 0.00080; ExAC 0.00186; gnomAD exomes 0.00207; gnomAD 0.00220; TOPMed 0.00294; ESP Exome Variant Server 0.00346.
gnomAD v4.1: 7,406 of 1,613,746 alleles (0.46%); highest among the groups gnomAD compares: Non-Finnish European, 0.58%; 31 homozygotes.

Submissions (11):

CeGaT Center for Human Genetics Tuebingen
Classification: Likely benign. Last evaluated: 2026-04-01. Review status: criteria provided, single submitter. Criteria: CeGaT Center For Human Genetics Tuebingen Variant Classification Criteria Version 2. Collection method: clinical testing. Allele origin: germline. Affected: yes. Observed: 9 variant alleles.
Comment: AP3B1: BP4, BP7, BS2

Labcorp Genetics (formerly Invitae), Labcorp
Classification: Benign for Hermansky-Pudlak syndrome 2. Last evaluated: 2026-02-02. Review status: criteria provided, single submitter. Criteria: Invitae Variant Classification Sherloc (09022015). Collection method: clinical testing. Allele origin: germline.

Mayo Clinic Laboratories, Mayo Clinic
Classification: Benign. Last evaluated: 2025-04-01. Review status: criteria provided, single submitter. Criteria: ACMG Guidelines, 2015. Collection method: clinical testing. Allele origin: germline. Observed: 14 variant alleles.
Comment: BS1, BS2, BP4, BP7

Blueprint Genetics
Classification: Likely benign. Last evaluated: 2024-11-25. Review status: criteria provided, single submitter. Criteria: ACMG Guidelines, 2015. Collection method: clinical testing. Allele origin: germline.

GeneDx
Classification: Likely benign. Last evaluated: 2021-02-18. Review status: criteria provided, single submitter. Criteria: GeneDx Variant Classification Process June 2021. Collection method: clinical testing. Allele origin: germline. Affected: yes.

Genome Diagnostics Laboratory, The Hospital for Sick Children
Classification: Likely benign for Autoinflammatory syndrome. Last evaluated: 2019-09-01. Review status: criteria provided, single submitter. Criteria: ACMG Guidelines, 2015. Collection method: clinical testing. Allele origin: germline. Affected: yes.

Genetic Services Laboratory, University of Chicago
Classification: Likely benign. Last evaluated: 2018-09-13. Review status: criteria provided, single submitter. Criteria: ACMG Guidelines, 2015. Collection method: clinical testing. Allele origin: germline. Affected: no.

Eurofins Ntd Llc (ga)
Classification: Benign. Last evaluated: 2016-04-01. Review status: criteria provided, single submitter. Criteria: EGL Classification Definitions 2015. Collection method: clinical testing. Allele origin: germline. Observed: 1 variant allele, 1 heterozygote.

Clinical Genetics DNA and cytogenetics Diagnostics Lab, Erasmus MC, Erasmus Medical Center
Classification: Likely benign. Review status: no assertion criteria provided. Collection method: clinical testing. Allele origin: germline. Affected: yes. Study: VKGL Data-share Consensus. Not counted in ClinVar's aggregate classification.

Clinical Genetics, Academic Medical Center
Classification: Benign. Review status: no assertion criteria provided. Collection method: clinical testing. Allele origin: germline. Affected: yes. Study: VKGL Data-share Consensus. Not counted in ClinVar's aggregate classification.

Genome Diagnostics Laboratory, University Medical Center Utrecht
Classification: Benign. Review status: no assertion criteria provided. Collection method: clinical testing. Allele origin: germline. Affected: yes. Study: VKGL Data-share Consensus. Not counted in ClinVar's aggregate classification.